The following is an entry in ClinVar:

NM_012186.3(FOXE3):c.559C>T (p.Pro187Ser)

Genes: FOXE3 (forkhead box E3; plus strand), LINC01389 (long independently transcribed non-coding RNA 1389; minus strand). Cytogenetic location: 1p33.
Variant type: single nucleotide variant.
Coding change: c.559C>T on transcript NM_012186.3 (MANE Select); coding-DNA position 559, C replaced by T.
Protein change: p.Pro187Ser; replaces proline 187 with serine.
Molecular consequence: missense variant.
Genome position (GRCh38, 1-based): chr1:47,416,874, C>T. VCF-style: chr1-47416874-C-T. GRCh37 (hg19) VCF-style: chr1-47882546-C-T.
Other names: c.559C>T (NM_012186.2); short protein forms P187S.
Identifiers: ClinVar variation 1334977 (VCV001334977.37), dbSNP rs2124043430, ClinGen allele CA340250240.

ClinVar aggregate classification (germline): Uncertain significance. Review status: criteria provided, multiple submitters, no conflicts (2 of 4 stars). 2 submissions from 2 submitters: Uncertain significance (2). Last evaluated 2023-04-05.

Conditions:
Cardiovascular phenotype. Identifiers: MedGen CN230736.

Allele frequency attached by ClinVar (database versions not stated): gnomAD exomes below 0.00001.

Submissions (2):

Ambry Genetics
Classification: Uncertain significance for Cardiovascular phenotype. Last evaluated: 2023-04-05. Review status: criteria provided, single submitter. Criteria: Ambry Variant Classification Scheme 2023. Collection method: clinical testing. Allele origin: germline.
Comment: The p.P187S variant (also known as c.559C>T), located in coding exon 1 of the FOXE3 gene, results from a C to T substitution at nucleotide position 559. The proline at codon 187 is replaced by serine, an amino acid with similar properties. This amino acid position is conserved. In addition, this alteration is predicted to be tolerated by in silico analysis. Since supporting evidence is limited at this time, the clinical significance of this alteration remains unclear.

CeGaT Center for Human Genetics Tuebingen
Classification: Uncertain significance. Last evaluated: 2021-10-01. Review status: criteria provided, single submitter. Criteria: CeGaT Center For Human Genetics Tuebingen Variant Classification Criteria Version 2. Collection method: clinical testing. Allele origin: germline. Affected: yes. Observed: 1 variant allele.